The following is an entry in ClinVar:

ClinVar aggregate classification (germline): Likely benign (1 of 4 stars; one submission).

gnomAD v4.1: 79 of 1,209,656 alleles (0.0065%); highest among the groups gnomAD compares: South Asian, 0.1%; no homozygotes.

Submission:

CeGaT Center for Human Genetics Tuebingen
Classification: Likely benign. Last evaluated: 2026-09-01. Review status: criteria provided, single submitter. Criteria: CeGaT Center For Human Genetics Tuebingen Variant Classification Criteria Version 2. Collection method: clinical testing. Allele origin: germline. Affected: yes. Observed: 1 variant allele.
Comment: SHROOM4: BP4, BS2

NM_020717.5(SHROOM4):c.1315G>A (p.Val439Ile)

Gene: SHROOM4 (shroom family member 4; minus strand). Cytogenetic location: Xp11.22.
Variant type: single nucleotide variant.
Coding change: c.1315G>A on transcript NM_020717.5 (MANE Select); coding-DNA position 1315, G replaced by A.
Protein change: p.Val439Ile; replaces valine 439 with isoleucine.
Molecular consequence: missense variant. On other transcripts: non-coding transcript variant (4).
Genome position (GRCh38, 1-based): chrX:50,634,758, C>T on the plus strand (G>A on the coding strand, the complement: SHROOM4 is on the minus strand). VCF-style: chrX-50634758-C-T. GRCh37 (hg19) VCF-style: chrX-50377758-C-T.
Other names: short protein forms V439I.
Identifiers: ClinVar variation 5041161 (VCV005041161.1).